The following is an entry in ClinVar:

NM_001854.4(COL11A1):c.1817C>T (p.Pro606Leu)

Gene: COL11A1 (collagen type XI alpha 1 chain; minus strand). Cytogenetic location: 1p21.1.
Variant type: single nucleotide variant.
Coding change: c.1817C>T on transcript NM_001854.4 (MANE Select); coding-DNA position 1817, C replaced by T.
Protein change: p.Pro606Leu; replaces proline 606 with leucine.
Molecular consequence: missense variant. On other transcripts: non-coding transcript variant (1).
Genome position (GRCh38, 1-based): chr1:103,005,866, G>A on the plus strand (C>T on the coding strand, the complement: COL11A1 is on the minus strand). VCF-style: chr1-103005866-G-A. GRCh37 (hg19) VCF-style: chr1-103471422-G-A.
Other names: c.1700C>T, p.Pro567Leu (NM_001190709.2); c.1853C>T, p.Pro618Leu (NM_080629.3); c.1469C>T, p.Pro490Leu (NM_080630.4); short protein forms P490L, P567L, P606L, P618L.
Identifiers: ClinVar variation 874022 (VCV000874022.15), dbSNP rs534777436, ClinGen allele CA974799.

ClinVar aggregate classification (germline): Conflicting classifications of pathogenicity. Review status: criteria provided, conflicting classifications (1 of 4 stars). 4 submissions from 3 submitters: Uncertain significance (3); Likely benign (1). Last evaluated 2026-09-22.

Conditions:
Fibrochondrogenesis 1 (FBCG1). Identifiers: Orphanet 2021, MedGen C3278138, MONDO:0009226, OMIM 228520.
Stickler syndrome type 2 (STL2). Also called: COL11A1-Related Stickler Syndrome; STICKLER SYNDROME, BEADED VITREOUS TYPE; STICKLER SYNDROME, VITREOUS TYPE 2; STICKLER SYNDROME, TYPE II. Identifiers: Orphanet 828, Orphanet 90654, MedGen C1858084, MONDO:0011493, OMIM 604841.

Allele frequency attached by ClinVar (database versions not stated): TOPMed 0.00004; gnomAD exomes 0.00002 and 0.00004; gnomAD 0.00004 and 0.00003; ExAC 0.00001.
gnomAD v4.1: 62 of 1,613,206 alleles (0.0038%); highest among the groups gnomAD compares: Non-Finnish European, 0.0049%; no homozygotes.

Submissions (4):

GeneDx
Classification: Uncertain significance. Last evaluated: 2026-09-22. Review status: criteria provided, single submitter. Criteria: GeneDx Variant Classification Process June 2021. Collection method: clinical testing. Allele origin: germline.
Comment: Has not been previously published as pathogenic or benign to our knowledge; In silico analysis supports that this missense variant has a deleterious effect on protein structure/function

Labcorp Genetics (formerly Invitae), Labcorp
Classification: Likely benign. Last evaluated: 2025-06-06. Review status: criteria provided, single submitter. Criteria: Invitae Variant Classification Sherloc (09022015). Collection method: clinical testing. Allele origin: germline.

Illumina Laboratory Services, Illumina
Classification: Uncertain significance for Stickler syndrome type 2. Last evaluated: 2018-01-12. Review status: criteria provided, single submitter. Criteria: ICSL Variant Classification Criteria 13 December 2019. Collection method: clinical testing. Allele origin: germline.

Illumina Laboratory Services, Illumina
Classification: Uncertain significance for Fibrochondrogenesis 1. Last evaluated: 2018-01-12. Review status: criteria provided, single submitter. Criteria: ICSL Variant Classification Criteria 13 December 2019. Collection method: clinical testing. Allele origin: germline.